The following is an entry in ClinVar:

NM_001044.5(SLC6A3):c.1031+6C>A

Gene: SLC6A3 (solute carrier family 6 member 3). Cytogenetic location: 5p15.33.
Variant type: single nucleotide variant.
Coding change: c.1031+6C>A on transcript NM_001044.5 (MANE Select); 6 bases into the intron after coding-DNA position 1031, C replaced by A.
Molecular consequence: intron variant.
Genome position (GRCh38, 1-based): chr5:1,416,092, G>T on the plus strand (C>A on the coding strand, the complement: SLC6A3 is on the minus strand). VCF-style: chr5-1416092-G-T. GRCh37 (hg19) VCF-style: chr5-1416207-G-T.
Identifiers: ClinVar variation 4084617 (VCV004084617.8).

ClinVar aggregate classification (germline): Uncertain significance (1 of 4 stars; one submission).

Submission:

CeGaT Center for Human Genetics Tuebingen
Classification: Uncertain significance. Last evaluated: 2025-08-01. Review status: criteria provided, single submitter. Criteria: CeGaT Center For Human Genetics Tuebingen Variant Classification Criteria Version 2. Collection method: clinical testing. Allele origin: germline. Affected: yes. Observed: 1 variant allele.
Comment: SLC6A3: PM2, BP4